The following is an entry in ClinVar:

ClinVar aggregate classification (germline): Conflicting classifications of pathogenicity. Review status: criteria provided, conflicting classifications (1 of 4 stars). 7 submissions from 7 submitters: Uncertain significance (4); Likely benign (2). 1 of the submissions does not count toward it. Last evaluated 2025-09-21.

Conditions:
TJP2-related disorder. Also called: TJP2-related condition.
Inborn genetic diseases. Identifiers: MedGen C0950123, MeSH D030342.

Allele frequency attached by ClinVar (database versions not stated): gnomAD exomes 0.00003; gnomAD 0.00044; TOPMed 0.00045; ESP Exome Variant Server 0.00046; 1000 Genomes Project 30x 0.00156; 1000 Genomes Project 0.00160.
gnomAD v4.1: 120 of 1,614,000 alleles (0.0074%); highest among the groups gnomAD compares: African/African-American, 0.14%; no homozygotes.

Submissions (7):

Labcorp Genetics (formerly Invitae), Labcorp
Classification: Uncertain significance. Last evaluated: 2025-09-21. Review status: criteria provided, single submitter. Criteria: Invitae Variant Classification Sherloc (09022015). Collection method: clinical testing. Allele origin: germline.
Comment: This sequence change replaces methionine, which is neutral and non-polar, with threonine, which is neutral and polar, at codon 907 of the TJP2 protein (p.Met907Thr). This variant is present in population databases (rs149659876, gnomAD 0.1%). This variant has not been reported in the literature in individuals affected with TJP2-related conditions. ClinVar contains an entry for this variant (Variation ID: 165417). Invitae Evidence Modeling of protein sequence and biophysical properties (such as structural, functional, and spatial information, amino acid conservation, physicochemical variation, residue mobility, and thermodynamic stability) indicates that this missense variant is expected to disrupt TJP2 protein function with a positive predictive value of 80%. In summary, the available evidence is currently insufficient to determine the role of this variant in disease. Therefore, it has been classified as a Variant of Uncertain Significance.

GeneDx
Classification: Uncertain significance. Last evaluated: 2025-04-04. Review status: criteria provided, single submitter. Criteria: GeneDx Variant Classification Process June 2021. Collection method: clinical testing. Allele origin: germline. Affected: yes.
Comment: In silico analysis indicates that this missense variant does not alter protein structure/function; Has not been previously published as pathogenic or benign to our knowledge

Ambry Genetics
Classification: Uncertain significance for Inborn genetic diseases. Last evaluated: 2024-10-09. Review status: criteria provided, single submitter. Criteria: Ambry Variant Classification Scheme 2023. Collection method: clinical testing. Allele origin: germline.

Mayo Clinic Laboratories, Mayo Clinic
Classification: Uncertain significance. Last evaluated: 2023-01-09. Review status: criteria provided, single submitter. Criteria: ACMG Guidelines, 2015. Collection method: clinical testing. Allele origin: germline. Observed: 1 variant allele.
Comment: BP4

Eurofins Ntd Llc (ga)
Classification: Likely benign. Last evaluated: 2016-08-27. Review status: criteria provided, single submitter. Criteria: EGL Classification Definitions 2015. Collection method: clinical testing. Allele origin: germline. Observed: 1 variant allele, 1 heterozygote.

Laboratory for Molecular Medicine, Mass General Brigham Personalized Medicine
Classification: Likely benign. Last evaluated: 2014-09-30. Review status: criteria provided, single submitter. Criteria: LMM Criteria. Collection method: clinical testing. Allele origin: germline. Observed: 1 variant allele.
Comment: Met907Thr in exon 19E of TJP2: This variant is not expected to have clinical sig nificance because it has been identified in 1.4% (5/368) of African chromosomes by the 1000 Genomes Project (dbSNP rs149659876). In addition, this variant has been identified in 0.1% (6/4406) of African American chromosomes by the NHLBI Ex ome Sequencing Project.

PreventionGenetics, part of Exact Sciences
Classification: Uncertain significance for TJP2-related condition. Last evaluated: 2023-12-08. Review status: no assertion criteria provided. Collection method: clinical testing. Allele origin: germline. Not counted in ClinVar's aggregate classification.
Comment: The TJP2 c.2720T>C variant is predicted to result in the amino acid substitution p.Met907Thr. To our knowledge, this variant has not been reported in the literature. This variant is reported in 0.12% of alleles in individuals of African descent in gnomAD. At this time, the clinical significance of this variant is uncertain due to the absence of conclusive functional and genetic evidence.

NM_004817.4(TJP2):c.2720T>C (p.Met907Thr)

Gene: TJP2 (tight junction protein 2; plus strand). Cytogenetic location: 9q21.11.
Variant type: single nucleotide variant.
Coding change: c.2720T>C on transcript NM_004817.4 (MANE Select); coding-DNA position 2720, T replaced by C.
Protein change: p.Met907Thr; replaces methionine 907 with threonine.
Molecular consequence: missense variant. On other transcripts: intron variant (1).
Genome position (GRCh38, 1-based): chr9:69,248,064, T>C. VCF-style: chr9-69248064-T-C. GRCh37 (hg19) VCF-style: chr9-71862980-T-C.
Other names: c.2651T>C, p.Met884Thr (NM_001170414.2, NM_001369871.1); c.2732T>C, p.Met911Thr (NM_001170415.1, NM_001369874.1, NM_001369875.1); c.2813T>C, p.Met938Thr (NM_001170416.2); c.2645T>C, p.Met882Thr (NM_001369870.1); c.2720T>C, p.Met907Thr (NM_001369872.1, NM_201629.3); c.2667+1274T>C (NM_001369873.1); short protein forms M907T, M911T, M884T, M938T, M882T.
Identifiers: ClinVar variation 165417 (VCV000165417.23), dbSNP rs149659876, ClinGen allele CA178183.
Genomic context (GRCh38, chr9:69,248,064, plus strand): 5'-TCCTCTAGATGGAAGGGATGGATGATGACCCCGAAGACCGCATGTCCTACTTAACCGCCA[T>C]GGGCGCGGACTATCTGAGTTGCGACAGCCGCCTCATCAGTGACTTTGAAGACACGGACGG-3'
Protein context (NP_004808.2, residues 897-917): PEDRMSYLTA[Met907Thr]GADYLSCDSR